The following is an entry in ClinVar:

NM_000186.4(CFH):c.2637A>G (p.Gly879=)

Gene: CFH (complement factor H; plus strand). Cytogenetic location: 1q31.3.
Variant type: single nucleotide variant.
Coding change: c.2637A>G on transcript NM_000186.4 (MANE Select); coding-DNA position 2637, A replaced by G.
Protein change: p.Gly879=; no amino-acid change (glycine 879 retained).
Molecular consequence: synonymous variant.
Genome position (GRCh38, 1-based): chr1:196,737,515, A>G. VCF-style: chr1-196737515-A-G. GRCh37 (hg19) VCF-style: chr1-196706645-A-G.
Other names: p.Gly879=.
Identifiers: ClinVar variation 294505 (VCV000294505.19), dbSNP rs55752475, ClinGen allele CA1305704.

ClinVar aggregate classification (germline): Benign/Likely benign. Review status: criteria provided, multiple submitters, no conflicts (2 of 4 stars). 14 submissions from 8 submitters: Benign (5); Likely benign (9). Last evaluated 2026-04-06.

Conditions:
Age related macular degeneration 4. Identifiers: MedGen C1853147, MONDO:0012540, OMIM 610698.
Atypical hemolytic-uremic syndrome. Identifiers: Orphanet 2134, MedGen C2931788, MONDO:0016244.
Factor H deficiency (CFHD). Also called: CFH DEFICIENCY; COMPLEMENT FACTOR H DEFICIENCY. Identifiers: Orphanet 200421, MedGen C0398777, MONDO:0012350, OMIM 609814.
Basal laminar drusen. Also called: DRUSEN OF BRUCH MEMBRANE; DRUSEN, CUTICULAR; DRUSEN, EARLY ADULT-ONSET, GROUPED. Identifiers: Orphanet 75376, MedGen C0730295, MONDO:0007472, OMIM 126700.
Hemolytic uremic syndrome, atypical, susceptibility to, 1. Also called: AHUS, SUSCEPTIBILITY TO, 1. Identifiers: Orphanet 2134, Orphanet 90038, MedGen C2749604, MONDO:0009335, OMIM 235400. Disease mechanism: Other.
CFH-Related Dense Deposit Disease / Membranoproliferative Glomerulonephritis Type II. Identifiers: MedGen CN071292.

Allele frequency attached by ClinVar (database versions not stated): gnomAD 0.00050 and 0.00078; gnomAD exomes 0.00051 and 0.00143; TOPMed 0.00072; ExAC 0.00132; 1000 Genomes Project 30x 0.00312; 1000 Genomes Project 0.00339.
gnomAD v4.1: 866 of 1,613,294 alleles (0.054%); highest among the groups gnomAD compares: East Asian, 1.7%; 9 homozygotes.

Submissions (14):

Women's Health and Genetics/Laboratory Corporation of America, LabCorp
Classification: Likely benign. Last evaluated: 2026-04-06. Review status: criteria provided, single submitter. Criteria: LabCorp Variant Classification Summary - May 2015. Collection method: clinical testing. Allele origin: germline.

Labcorp Genetics (formerly Invitae), Labcorp
Classification: Benign. Last evaluated: 2026-01-11. Review status: criteria provided, single submitter. Criteria: Invitae Variant Classification Sherloc (09022015). Collection method: clinical testing. Allele origin: germline.

Mayo Clinic Laboratories, Mayo Clinic
Classification: Likely benign. Last evaluated: 2025-11-24. Review status: criteria provided, single submitter. Criteria: ACMG Guidelines, 2015. Collection method: clinical testing. Allele origin: germline. Observed: 5 variant alleles.
Comment: BS1, BP4, BP7

Genomenon, Inc
Classification: Benign for Basal laminar drusen; Age related macular degeneration 4; Atypical hemolytic-uremic syndrome; Factor H deficiency. Last evaluated: 2025-10-02. Review status: criteria provided, single submitter. Criteria: Genomenon Sequence Variant Interpretation Standards - Updated. Collection method: curation. Allele origin: germline. Affected: no.
Comment: CFH p.Gly879= (c.2637A>G) is a synonymous variant that retains Glycine at residue 879. This variant is present at high allele frequency in population databases. In conclusion, we classify CFH p.Gly879= (c.2637A>G) as a benign variant.

Genome-Nilou Lab
Classification: Likely benign for Hemolytic uremic syndrome, atypical, susceptibility to, 1. Last evaluated: 2023-04-11. Review status: criteria provided, single submitter. Criteria: ACMG Guidelines, 2015. Collection method: clinical testing. Allele origin: germline. Affected: no.

Genome-Nilou Lab
Classification: Likely benign for Age related macular degeneration 4. Last evaluated: 2023-04-11. Review status: criteria provided, single submitter. Criteria: ACMG Guidelines, 2015. Collection method: clinical testing. Allele origin: germline. Affected: no.

Genome-Nilou Lab
Classification: Likely benign for Basal laminar drusen. Last evaluated: 2023-04-11. Review status: criteria provided, single submitter. Criteria: ACMG Guidelines, 2015. Collection method: clinical testing. Allele origin: germline. Affected: no.

Genome-Nilou Lab
Classification: Likely benign for Factor H deficiency. Last evaluated: 2023-04-11. Review status: criteria provided, single submitter. Criteria: ACMG Guidelines, 2015. Collection method: clinical testing. Allele origin: germline. Affected: no.

Fulgent Genetics
Classification: Likely benign for Basal laminar drusen; Hemolytic uremic syndrome, atypical, susceptibility to, 1; Factor H deficiency; Age related macular degeneration 4. Last evaluated: 2021-10-11. Review status: criteria provided, single submitter. Criteria: ACMG Guidelines, 2015. Collection method: clinical testing. Allele origin: unknown.

Illumina Laboratory Services, Illumina
Classification: Likely benign for Basal laminar drusen. Last evaluated: 2018-01-12. Review status: criteria provided, single submitter. Criteria: ICSL Variant Classification Criteria 13 December 2019. Collection method: clinical testing. Allele origin: germline.
Comment: This variant was observed in the ICSL laboratory as part of a predisposition screen in an ostensibly healthy population. It had not been previously curated by ICSL or reported in the Human Gene Mutation Database (HGMD: prior to June 1st, 2018), and was therefore a candidate for classification through an automated scoring system. Utilizing variant allele frequency, disease prevalence and penetrance estimates, and inheritance mode, an automated score was calculated to assess if this variant is too frequent to cause the disease. Based on the score and internal cut-off values, a variant classified as likely benign is not then subjected to further curation. The score for this variant resulted in a classification of likely benign for this disease.

Illumina Laboratory Services, Illumina
Classification: Benign for Membranoproliferative glomerulonephritis with complement factor h deficiency. Last evaluated: 2018-01-12. Review status: criteria provided, single submitter. Criteria: ICSL Variant Classification Criteria 13 December 2019. Collection method: clinical testing. Allele origin: germline.
Comment: This variant was observed in the ICSL laboratory as part of a predisposition screen in an ostensibly healthy population. It had not been previously curated by ICSL or reported in the Human Gene Mutation Database (HGMD: prior to June 1st, 2018), and was therefore a candidate for classification through an automated scoring system. Utilizing variant allele frequency, disease prevalence and penetrance estimates, and inheritance mode, an automated score was calculated to assess if this variant is too frequent to cause the disease. Based on the score and internal cut-off values, a variant classified as benign is not then subjected to further curation. The score for this variant resulted in a classification of benign for this disease.

Illumina Laboratory Services, Illumina
Classification: Benign for Hemolytic uremic syndrome, atypical, susceptibility to, 1. Last evaluated: 2018-01-12. Review status: criteria provided, single submitter. Criteria: ICSL Variant Classification Criteria 13 December 2019. Collection method: clinical testing. Allele origin: germline.
Comment: the same text as in the submission from Illumina Laboratory Services, Illumina above.

Illumina Laboratory Services, Illumina
Classification: Benign for Age related macular degeneration 4. Last evaluated: 2018-01-12. Review status: criteria provided, single submitter. Criteria: ICSL Variant Classification Criteria 13 December 2019. Collection method: clinical testing. Allele origin: germline.
Comment: the same text as in the submission from Illumina Laboratory Services, Illumina above.

Breakthrough Genomics
Classification: Likely benign. Review status: criteria provided, single submitter. Criteria: ACMG Guidelines, 2015. Collection method: not provided. Allele origin: germline. Inheritance: Autosomal recessive inheritance. Affected: yes.